The following is an entry in ClinVar:

ClinVar aggregate classification (germline): Benign (1 of 4 stars; one submission).

Allele frequency attached by ClinVar (database versions not stated): 1000 Genomes Project 30x 0.13226; 1000 Genomes Project 0.13339; TOPMed 0.22965; gnomAD 0.23840 and 0.24308; gnomAD exomes 0.29370.
gnomAD v4.1: 159,415 of 570,414 alleles (28%); highest among the groups gnomAD compares: Non-Finnish European, 36%; 26,834 homozygotes.

Submission:

GeneDx
Classification: Benign. Last evaluated: 2018-06-14. Review status: criteria provided, single submitter. Criteria: GeneDx Variant Classification (06012015). Collection method: clinical testing. Allele origin: germline. Affected: yes.
Comment: This variant is considered likely benign or benign based on one or more of the following criteria: it is a conservative change, it occurs at a poorly conserved position in the protein, it is predicted to be benign by multiple in silico algorithms, and/or has population frequency not consistent with disease.

NM_001958.5(EEF1A2):c.145-230G>A

Gene: EEF1A2 (eukaryotic translation elongation factor 1 alpha 2; minus strand). Cytogenetic location: 20q13.33.
Variant type: single nucleotide variant.
Coding change: c.145-230G>A on transcript NM_001958.5 (MANE Select); 230 bases into the intron before coding-DNA position 145, G replaced by A.
Molecular consequence: intron variant.
Genome position (GRCh38, 1-based): chr20:63,496,265, C>T on the plus strand (G>A on the coding strand, the complement: EEF1A2 is on the minus strand). VCF-style: chr20-63496265-C-T. GRCh37 (hg19) VCF-style: chr20-62127618-C-T.
Identifiers: ClinVar variation 680015 (VCV000680015.1), dbSNP rs1555338, ClinGen allele CA14765959.